The following is an entry in ClinVar:

NM_000170.3(GLDC):c.1470T>G (p.Cys490Trp)

Gene: GLDC (glycine decarboxylase; minus strand). Cytogenetic location: 9p24.1.
Variant type: single nucleotide variant.
Coding change: c.1470T>G on transcript NM_000170.3 (MANE Select); coding-DNA position 1470, T replaced by G.
Protein change: p.Cys490Trp; replaces cysteine 490 with tryptophan.
Molecular consequence: missense variant.
Genome position (GRCh38, 1-based): chr9:6,592,155, A>C on the plus strand (T>G on the coding strand, the complement: GLDC is on the minus strand). VCF-style: chr9-6592155-A-C. GRCh37 (hg19) VCF-style: chr9-6592155-A-C.
Other names: short protein forms C490W.
Identifiers: ClinVar variation 1352040 (VCV001352040.3), dbSNP rs1183108459, ClinGen allele CA372893732.

ClinVar aggregate classification (germline): Uncertain significance (1 of 4 stars; one submission).

Conditions:
Glycine encephalopathy. Also called: Non-ketotic hyperglycinemia; Nonketotic hyperglycinemia. Identifiers: Orphanet 407, MedGen C0751748, MONDO:0011612, HP:0008288.

Allele frequency attached by ClinVar (database versions not stated): gnomAD exomes below 0.00001.
gnomAD v4.1: 1 of 1,595,946 alleles (0.000063%); highest among the groups gnomAD compares: Admixed American, 0.0017%; no homozygotes.

Submission:

Labcorp Genetics (formerly Invitae), Labcorp
Classification: Uncertain significance for Glycine encephalopathy. Last evaluated: 2021-12-14. Review status: criteria provided, single submitter. Criteria: Invitae Variant Classification Sherloc (09022015). Collection method: clinical testing. Allele origin: germline.
Comment: This sequence change replaces cysteine, which is neutral and slightly polar, with tryptophan, which is neutral and slightly polar, at codon 490 of the GLDC protein (p.Cys490Trp). This variant is present in population databases (no rsID available, gnomAD 0.003%). This variant has not been reported in the literature in individuals affected with GLDC-related conditions. Advanced modeling of protein sequence and biophysical properties (such as structural, functional, and spatial information, amino acid conservation, physicochemical variation, residue mobility, and thermodynamic stability) performed at Invitae indicates that this missense variant is expected to disrupt GLDC protein function. In summary, the available evidence is currently insufficient to determine the role of this variant in disease. Therefore, it has been classified as a Variant of Uncertain Significance.